The following is an entry in ClinVar:

NM_032801.5(JAM3):c.571C>T (p.Arg191Cys)

Gene: JAM3 (junctional adhesion molecule 3; plus strand). Cytogenetic location: 11q25.
Variant type: single nucleotide variant.
Coding change: c.571C>T on transcript NM_032801.5 (MANE Select); coding-DNA position 571, C replaced by T.
Protein change: p.Arg191Cys; replaces arginine 191 with cysteine.
Molecular consequence: missense variant.
Genome position (GRCh38, 1-based): chr11:134,144,953, C>T. VCF-style: chr11-134144953-C-T. GRCh37 (hg19) VCF-style: chr11-134014848-C-T.
Other names: c.418C>T, p.Arg140Cys (NM_001205329.2); short protein forms R140C, R191C.
Identifiers: ClinVar variation 2062946 (VCV002062946.5), dbSNP rs549604639, ClinGen allele CA6370084.

ClinVar aggregate classification (germline): Uncertain significance. Review status: criteria provided, multiple submitters, no conflicts (2 of 4 stars). 2 submissions from 2 submitters: Uncertain significance (2). Last evaluated 2025-03-25.

Conditions:
Inborn genetic diseases. Identifiers: MedGen C0950123, MeSH D030342.

Allele frequency attached by ClinVar (database versions not stated): TOPMed 0.00002; ExAC 0.00005; gnomAD exomes 0.00003; gnomAD 0.00007.
gnomAD v4.1: 57 of 1,614,044 alleles (0.0035%); highest among the groups gnomAD compares: African/African-American, 0.004%; no homozygotes.

Submissions (2):

Ambry Genetics
Classification: Uncertain significance for Inborn genetic diseases. Last evaluated: 2025-03-25. Review status: criteria provided, single submitter. Criteria: Ambry Variant Classification Scheme 2023. Collection method: clinical testing. Allele origin: germline.

Labcorp Genetics (formerly Invitae), Labcorp
Classification: Uncertain significance. Last evaluated: 2023-05-22. Review status: criteria provided, single submitter. Criteria: Invitae Variant Classification Sherloc (09022015). Collection method: clinical testing. Allele origin: germline.
Comment: This sequence change replaces arginine, which is basic and polar, with cysteine, which is neutral and slightly polar, at codon 191 of the JAM3 protein (p.Arg191Cys). This variant is present in population databases (rs549604639, gnomAD 0.008%). This variant has not been reported in the literature in individuals affected with JAM3-related conditions. ClinVar contains an entry for this variant (Variation ID: 2062946). An algorithm developed to predict the effect of missense changes on protein structure and function (PolyPhen-2) suggests that this variant¬† is likely to be tolerated. In summary, the available evidence is currently insufficient to determine the role of this variant in disease. Therefore, it has been classified as a Variant of Uncertain Significance.